The following is an entry in ClinVar:

ClinVar aggregate classification (germline): Uncertain significance (1 of 4 stars; one submission).

Allele frequency attached by ClinVar (database versions not stated): gnomAD exomes 0.00001; TOPMed 0.00003.
gnomAD v4.1: 17 of 1,613,938 alleles (0.0011%); highest among the groups gnomAD compares: Non-Finnish European, 0.0011%; no homozygotes.

Submission:

Labcorp Genetics (formerly Invitae), Labcorp
Classification: Uncertain significance. Last evaluated: 2023-11-03. Review status: criteria provided, single submitter. Criteria: Invitae Variant Classification Sherloc (09022015). Collection method: clinical testing. Allele origin: germline.
Comment: This sequence change replaces isoleucine, which is neutral and non-polar, with threonine, which is neutral and polar, at codon 478 of the NFATC1 protein (p.Ile478Thr). This variant is present in population databases (no rsID available, gnomAD 0.006%). This variant has not been reported in the literature in individuals affected with NFATC1-related conditions. An algorithm developed to predict the effect of missense changes on protein structure and function (PolyPhen-2) suggests that this variant is likely to be disruptive. In summary, the available evidence is currently insufficient to determine the role of this variant in disease. Therefore, it has been classified as a Variant of Uncertain Significance.

NM_001278669.2(NFATC1):c.1433T>C (p.Ile478Thr)

Gene: NFATC1 (nuclear factor of activated T cells 1; plus strand). Cytogenetic location: 18q23.
Variant type: single nucleotide variant.
Coding change: c.1433T>C on transcript NM_001278669.2 (MANE Select); coding-DNA position 1433, T replaced by C.
Protein change: p.Ile478Thr; replaces isoleucine 478 with threonine.
Molecular consequence: missense variant.
Genome position (GRCh38, 1-based): chr18:79,448,828, T>C. VCF-style: chr18-79448828-T-C. GRCh37 (hg19) VCF-style: chr18-77208828-T-C.
Other names: c.1433T>C, p.Ile478Thr (NM_001278670.2, NM_006162.5, NM_172390.3); c.1394T>C, p.Ile465Thr (NM_001278672.2, NM_001278675.2, NM_172387.3 and 1 more transcripts); c.17T>C, p.Ile6Thr (NM_001278673.2, NM_172388.3); short protein forms I478T, I465T, I6T.
Identifiers: ClinVar variation 2884233 (VCV002884233.3), dbSNP rs1482836683, ClinGen allele CA402821105.